The following is an entry in ClinVar:

ClinVar aggregate classification (germline): Benign/Likely benign. Review status: criteria provided, multiple submitters, no conflicts (2 of 4 stars). 3 submissions from 3 submitters: Benign (1); Likely benign (1). 1 of the submissions does not count toward it. Last evaluated 2025-10-31.

Conditions:
Atrial fibrillation, familial, 14 (ATFB14). Identifiers: MedGen C3809312, MONDO:0014156, OMIM 615378.
SCN2B-related disorder. Also called: SCN2B-related condition.
Cardiovascular phenotype. Identifiers: MedGen CN230736.

Allele frequency attached by ClinVar (database versions not stated): gnomAD 0.00002 and 0.00003; TOPMed 0.00002; ESP Exome Variant Server 0.00008; ExAC 0.00010; gnomAD exomes 0.00011.
gnomAD v4.1: 40 of 1,613,656 alleles (0.0025%); highest among the groups gnomAD compares: East Asian, 0.051%; no homozygotes.

Submissions (3):

Ambry Genetics
Classification: Benign for Cardiovascular phenotype. Last evaluated: 2025-10-31. Review status: criteria provided, single submitter. Criteria: Ambry Variant Classification Scheme 2023. Collection method: clinical testing. Allele origin: germline.

Labcorp Genetics (formerly Invitae), Labcorp
Classification: Likely benign for Atrial fibrillation, familial, 14. Last evaluated: 2025-08-29. Review status: criteria provided, single submitter. Criteria: Invitae Variant Classification Sherloc (09022015). Collection method: clinical testing. Allele origin: germline.

PreventionGenetics, part of Exact Sciences
Classification: Likely benign for SCN2B-related condition. Last evaluated: 2023-11-14. Review status: no assertion criteria provided. Collection method: clinical testing. Allele origin: germline. Not counted in ClinVar's aggregate classification.
Comment: This variant is classified as likely benign based on ACMG/AMP sequence variant interpretation guidelines (Richards et al. 2015 PMID: 25741868, with internal and published modifications).

NM_004588.5(SCN2B):c.496G>A (p.Val166Ile)

Gene: SCN2B (sodium voltage-gated channel beta subunit 2; minus strand). Cytogenetic location: 11q23.3.
Variant type: single nucleotide variant.
Coding change: c.496G>A on transcript NM_004588.5 (MANE Select); coding-DNA position 496, G replaced by A.
Protein change: p.Val166Ile; replaces valine 166 with isoleucine.
Molecular consequence: missense variant.
Genome position (GRCh38, 1-based): chr11:118,167,039, C>T on the plus strand (G>A on the coding strand, the complement: SCN2B is on the minus strand). VCF-style: chr11-118167039-C-T. GRCh37 (hg19) VCF-style: chr11-118037754-C-T.
Other names: c.496G>A (NM_004588.4); short protein forms V166I.
Identifiers: ClinVar variation 1597634 (VCV001597634.12), dbSNP rs140314864, ClinGen allele CA6300422.